The following is an entry in ClinVar:

NC_000018.9:g.(?_57363841)_(57364574_?)del

Gene: CCBE1 (collagen and calcium binding EGF domains 1; minus strand). Cytogenetic location: 18q21.32.
Variant type: Deletion.
Identifiers: ClinVar variation 2427216 (VCV002427216.4).

ClinVar aggregate classification (germline): Pathogenic (1 of 4 stars; one submission).

Submission:

Labcorp Genetics (formerly Invitae), Labcorp
Classification: Pathogenic. Last evaluated: 2023-09-06. Review status: criteria provided, single submitter. Criteria: Invitae Variant Classification Sherloc (09022015). Collection method: clinical testing. Allele origin: germline.
Comment: For these reasons, this variant has been classified as Pathogenic. This variant has not been reported in the literature in individuals affected with CCBE1-related conditions. This variant is a gross deletion of the genomic region encompassing exon(s) 1-2 of the CCBE1 gene, which includes the initiator codon. This deletion extends beyond the assayed region for this gene and therefore may encompass additional genes. It is expected to result in an absent or disrupted protein product. Loss-of-function variants in CCBE1 are known to be pathogenic (PMID: 19935664, 21778431, 26686525).

Literature cited by the submitters: PubMed 19935664; PubMed 21778431; PubMed 26686525.